The following is an entry in ClinVar:

NM_078480.3(PUF60):c.1569T>C (p.Ser523=)

Gene: PUF60 (poly(U) binding splicing factor 60; minus strand). Cytogenetic location: 8q24.3.
Variant type: single nucleotide variant.
Coding change: c.1569T>C on transcript NM_078480.3 (MANE Select); coding-DNA position 1569, T replaced by C.
Protein change: p.Ser523=; no amino-acid change (serine 523 retained).
Molecular consequence: synonymous variant.
Genome position (GRCh38, 1-based): chr8:143,816,631, A>G on the plus strand (T>C on the coding strand, the complement: PUF60 is on the minus strand). VCF-style: chr8-143816631-A-G. GRCh37 (hg19) VCF-style: chr8-144898801-A-G.
Other names: c.1440T>C, p.Ser480= (NM_001136033.3); c.1515T>C, p.Ser505= (NM_001271096.2); c.1431T>C, p.Ser477= (NM_001271097.2); c.1566T>C, p.Ser522= (NM_001271098.2); c.1482T>C, p.Ser494= (NM_001271099.2); c.1389T>C, p.Ser463= (NM_001271100.2); c.1680T>C, p.Ser560= (NM_001362895.2, NM_001362896.2); c.1629T>C, p.Ser543= (NM_001362897.2); and 1 more.
Identifiers: ClinVar variation 774250 (VCV000774250.30), dbSNP rs199884162, ClinGen allele CA187615547.

ClinVar aggregate classification (germline): Benign/Likely benign. Review status: criteria provided, multiple submitters, no conflicts (2 of 4 stars). 4 submissions from 4 submitters: Benign (2); Likely benign (2). Last evaluated 2024-05-01.

Allele frequency attached by ClinVar (database versions not stated): TOPMed 0.00101; gnomAD exomes 0.00012 and 0.00024; ExAC 0.00028; 1000 Genomes Project 0.00060; 1000 Genomes Project 30x 0.00062; gnomAD 0.00081 and 0.00087; ESP Exome Variant Server 0.00096.

Submissions (4):

CeGaT Center for Human Genetics Tuebingen
Classification: Likely benign. Last evaluated: 2024-05-01. Review status: criteria provided, single submitter. Criteria: CeGaT Center For Human Genetics Tuebingen Variant Classification Criteria Version 2. Collection method: clinical testing. Allele origin: germline. Affected: yes. Observed: 2 variant alleles.
Comment: PUF60: BP4, BP7, BS1

Blueprint Genetics
Classification: Likely benign. Last evaluated: 2024-03-08. Review status: criteria provided, single submitter. Criteria: ACMG Guidelines, 2015. Collection method: clinical testing. Allele origin: germline.

Labcorp Genetics (formerly Invitae), Labcorp
Classification: Benign. Last evaluated: 2019-12-31. Review status: criteria provided, single submitter. Criteria: Invitae Variant Classification Sherloc (09022015). Collection method: clinical testing. Allele origin: germline.

Breakthrough Genomics
Classification: Benign. Review status: criteria provided, single submitter. Criteria: ACMG Guidelines, 2015. Collection method: not provided. Allele origin: germline. Inheritance: Autosomal dominant inheritance. Affected: yes.